The following is an entry in ClinVar:

ClinVar aggregate classification (germline): Uncertain significance. Review status: criteria provided, multiple submitters, no conflicts (2 of 4 stars). 3 submissions from 3 submitters: Uncertain significance (3). Last evaluated 2026-05-27.

Conditions:
FGFR3-related disorder. Also called: FGFR3-related disorders.

gnomAD v4.1: 8 of 1,612,620 alleles (0.0005%); highest among the groups gnomAD compares: East Asian, 0.0067%; no homozygotes.

Submissions (3):

PreventionGenetics, part of Exact Sciences
Classification: Uncertain significance for FGFR3-related condition. Last evaluated: 2026-05-27. Review status: criteria provided, single submitter. Criteria: ACMG Guidelines, 2015. Collection method: clinical testing. Allele origin: germline.
Comment: The FGFR3 c.1675G>A variant is predicted to result in the amino acid substitution p.Ala559Thr. To our knowledge, this variant has not been reported in the literature. This variant is reported in 0.0055% of alleles in individuals of East Asian descent in gnomAD. At this time, the clinical significance of this variant is uncertain due to the absence of conclusive functional and genetic evidence.

Labcorp Genetics (formerly Invitae), Labcorp
Classification: Uncertain significance. Last evaluated: 2023-06-15. Review status: criteria provided, single submitter. Criteria: Invitae Variant Classification Sherloc (09022015). Collection method: clinical testing. Allele origin: germline.
Comment: In summary, the available evidence is currently insufficient to determine the role of this variant in disease. Therefore, it has been classified as a Variant of Uncertain Significance. Advanced modeling of protein sequence and biophysical properties (such as structural, functional, and spatial information, amino acid conservation, physicochemical variation, residue mobility, and thermodynamic stability) has been performed at Invitae for this missense variant, however the output from this modeling did not meet the statistical confidence thresholds required to predict the impact of this variant on FGFR3 protein function. ClinVar contains an entry for this variant (Variation ID: 1305498). This variant has not been reported in the literature in individuals affected with FGFR3-related conditions. This variant is present in population databases (no rsID available, gnomAD 0.006%). This sequence change replaces alanine, which is neutral and non-polar, with threonine, which is neutral and polar, at codon 559 of the FGFR3 protein (p.Ala559Thr).

GeneDx
Classification: Uncertain significance. Last evaluated: 2019-04-30. Review status: criteria provided, single submitter. Criteria: GeneDx Variant Classification Process June 2021. Collection method: clinical testing. Allele origin: germline. Affected: yes.
Comment: In silico analysis, which includes protein predictors and evolutionary conservation, supports that this variant does not alter protein structure/function; Has not been previously published as pathogenic or benign to our knowledge

NM_000142.5(FGFR3):c.1675G>A (p.Ala559Thr)

Gene: FGFR3 (fibroblast growth factor receptor 3; plus strand). Cytogenetic location: 4p16.3.
Variant type: single nucleotide variant.
Coding change: c.1675G>A on transcript NM_000142.5 (MANE Select); coding-DNA position 1675, G replaced by A.
Protein change: p.Ala559Thr; replaces alanine 559 with threonine.
Molecular consequence: missense variant. On other transcripts: non-coding transcript variant (1).
Genome position (GRCh38, 1-based): chr4:1,805,779, G>A. VCF-style: chr4-1805779-G-A. GRCh37 (hg19) VCF-style: chr4-1807506-G-A.
Other names: c.1681G>A, p.Ala561Thr (NM_001163213.2); c.1678G>A, p.Ala560Thr (NM_001354809.2, NM_001354810.2); c.1339G>A, p.Ala447Thr (NM_022965.4); short protein forms A447T, A559T, A560T, A561T.
Identifiers: ClinVar variation 1305498 (VCV001305498.6), dbSNP rs768385286, ClinGen allele CA355981701.